The following is an entry in ClinVar:

NM_005529.7(HSPG2):c.6057C>T (p.Asp2019=)

Gene: HSPG2 (heparan sulfate proteoglycan 2; minus strand). Cytogenetic location: 1p36.12.
Variant type: single nucleotide variant.
Coding change: c.6057C>T on transcript NM_005529.7 (MANE Select); coding-DNA position 6057, C replaced by T.
Protein change: p.Asp2019=; no amino-acid change (aspartic acid 2019 retained).
Molecular consequence: synonymous variant.
Genome position (GRCh38, 1-based): chr1:21,854,924, G>A on the plus strand (C>T on the coding strand, the complement: HSPG2 is on the minus strand). VCF-style: chr1-21854924-G-A. GRCh37 (hg19) VCF-style: chr1-22181417-G-A.
Other names: c.6060C>T, p.Asp2020= (NM_001291860.2).
Identifiers: ClinVar variation 734301 (VCV000734301.35), dbSNP rs201990135, ClinGen allele CA671687.

ClinVar aggregate classification (germline): Likely benign. Review status: criteria provided, multiple submitters, no conflicts (2 of 4 stars). 4 submissions from 4 submitters: Likely benign (4). Last evaluated 2025-10-15.

Allele frequency attached by ClinVar (database versions not stated): ExAC 0.00002; gnomAD exomes 0.00004 and 0.00006; gnomAD 0.00011 and 0.00013; TOPMed 0.00013.
gnomAD v4.1: 112 of 1,614,014 alleles (0.0069%); highest among the groups gnomAD compares: Middle Eastern, 0.033%; no homozygotes.

Submissions (4):

Labcorp Genetics (formerly Invitae), Labcorp
Classification: Likely benign. Last evaluated: 2025-10-15. Review status: criteria provided, single submitter. Criteria: Invitae Variant Classification Sherloc (09022015). Collection method: clinical testing. Allele origin: germline.

Blueprint Genetics
Classification: Likely benign. Last evaluated: 2024-02-13. Review status: criteria provided, single submitter. Criteria: ACMG Guidelines, 2015. Collection method: clinical testing. Allele origin: germline.

CeGaT Center for Human Genetics Tuebingen
Classification: Likely benign. Last evaluated: 2022-07-01. Review status: criteria provided, single submitter. Criteria: CeGaT Center For Human Genetics Tuebingen Variant Classification Criteria Version 2. Collection method: clinical testing. Allele origin: germline. Affected: yes. Observed: 1 variant allele.
Comment: HSPG2: BP4, BP7

GeneDx
Classification: Likely benign. Last evaluated: 2020-01-24. Review status: criteria provided, single submitter. Criteria: GeneDx Variant Classification Process June 2021. Collection method: clinical testing. Allele origin: germline. Affected: yes.